The following is an entry in ClinVar:

ClinVar aggregate classification (germline): Conflicting classifications of pathogenicity. Review status: criteria provided, conflicting classifications (1 of 4 stars). 4 submissions from 4 submitters: Likely pathogenic (3); Uncertain significance (1). Last evaluated 2025-05-01.
ClinVar aggregate classification (oncogenicity): Likely oncogenic (1 of 4 stars; one submission).

Conditions:
Hereditary nonpolyposis colorectal neoplasms. Identifiers: MedGen C0009405, MeSH D003123.
Hereditary cancer-predisposing syndrome. Also called: Tumor predisposition; Hereditary Cancer Syndrome; Hereditary neoplastic syndrome; Neoplastic Syndromes, Hereditary. Identifiers: Orphanet 140162, MedGen C0027672, MeSH D009386, MONDO:0015356.
Lynch syndrome 5 (LYNCH5). Also called: Colorectal cancer, hereditary nonpolyposis, type 5; Hereditary non-polyposis colorectal cancer, type 5. Identifiers: Orphanet 144, MedGen C1833477, MONDO:0013710, OMIM 614350. Disease mechanism: loss of function.
Neoplasm. Also called: tumor; Neoplasms; Neoplasm (disease). Identifiers: MedGen C0027651, MeSH D009369, MONDO:0005070, HP:0002664.

Submissions (5):

Ambry Genetics
Classification: Likely pathogenic for Hereditary cancer-predisposing syndrome. Last evaluated: 2025-05-01. Review status: criteria provided, single submitter. Criteria: Ambry Variant Classification Scheme 2023. Collection method: clinical testing. Allele origin: germline.
Comment: The p.T1219I variant (also known as c.3656C>T), located in coding exon 8 of the MSH6 gene, results from a C to T substitution at nucleotide position 3656. The threonine at codon 1219 is replaced by isoleucine, an amino acid with similar properties. In addition, this variant has demonstrated reduced mismatch repair activity in an in vitro complementation assay (Drost M et al. Hum Mutat, 2012 Mar;33:488-94). In another functional assay, MSH6 protein levels remained relatively high, but this variant abrogated MMR activity in mouse embryonic stem cells (Houlleberghs H et al. PLoS Genet, 2017 May;13:e1006765). This variant is considered to be rare based on population cohorts in the Genome Aggregation Database (gnomAD). This amino acid position is highly conserved in available vertebrate species. In addition, this alteration is predicted to be deleterious by in silico analysis. Based on the majority of available evidence to date, this variant is likely to be pathogenic.

Center for Genomic Medicine, Rigshospitalet, Copenhagen University Hospital
Classification: Likely oncogenic for Neoplasm. Last evaluated: 2025-03-04. Review status: criteria provided, single submitter. Criteria: ClinGen/CGC/VICC Guidelines for Oncogenicity, 2022. Collection method: clinical testing. Allele origin: somatic. Affected: yes.

Molecular Pathology, Peter Maccallum Cancer Centre
Classification: Likely pathogenic for Lynch syndrome 5. Last evaluated: 2024-01-16. Review status: criteria provided, single submitter. Criteria: ACMG Guidelines, 2015. Collection method: clinical testing. Allele origin: germline. Inheritance: Autosomal dominant inheritance.

Myriad Genetics, Inc.
Classification: Likely pathogenic for Lynch syndrome 5. Last evaluated: 2023-08-24. Review status: criteria provided, single submitter. Criteria: Myriad Autosomal Dominant, Autosomal Recessive and X-Linked Classification Criteria (2023). Collection method: clinical testing. Allele origin: unknown.
Comment: This variant is considered likely pathogenic. Functional studies indicate this variant impacts protein function [PMID: 22102614]. This variant is expected to disrupt protein structure [Myriad internal data].

Labcorp Genetics (formerly Invitae), Labcorp
Classification: Uncertain significance for Hereditary nonpolyposis colorectal neoplasms. Last evaluated: 2019-06-20. Review status: criteria provided, single submitter. Criteria: Invitae Variant Classification Sherloc (09022015). Collection method: clinical testing. Allele origin: germline.
Comment: This variant is not present in population databases (ExAC no frequency). This sequence change replaces threonine with isoleucine at codon 1219 of the MSH6 protein (p.Thr1219Ile). The threonine residue is highly conserved and there is a moderate physicochemical difference between threonine and isoleucine. This variant has been observed in an individual with Lynch syndrome (PMID: 11709755). ClinVar contains an entry for this variant (Variation ID: 89442). This variant has been reported to affect MSH6 protein function (PMID: 28531214). In summary, the available evidence is currently insufficient to determine the role of this variant in disease. Therefore, it has been classified as a Variant of Uncertain Significance.

Literature cited by the submitters: PubMed 11709755 (cited by Ambry Genetics and Labcorp Genetics (formerly Invitae), Labcorp); PubMed 22102614 (cited by Ambry Genetics and Myriad Genetics, Inc.); PubMed 28531214 (cited by Ambry Genetics and Labcorp Genetics (formerly Invitae), Labcorp); PubMed 31588121 (cited by Ambry Genetics); PubMed 22277660 (cited by Center for Genomic Medicine, Rigshospitalet, Copenhagen University Hospital); PubMed 31965077 (cited by Center for Genomic Medicine, Rigshospitalet, Copenhagen University Hospital).

NM_000179.3(MSH6):c.3656C>T (p.Thr1219Ile)

Gene: MSH6 (mutS homolog 6; plus strand). Cytogenetic location: 2p16.3.
Variant type: single nucleotide variant.
Coding change: c.3656C>T on transcript NM_000179.3 (MANE Select); coding-DNA position 3656, C replaced by T.
Protein change: p.Thr1219Ile; replaces threonine 1219 with isoleucine.
Molecular consequence: missense variant.
Genome position (GRCh38, 1-based): chr2:47,806,213, C>T. VCF-style: chr2-47806213-C-T. GRCh37 (hg19) VCF-style: chr2-48033352-C-T.
Other names: c.3266C>T, p.Thr1089Ile (NM_001281492.2); c.2750C>T, p.Thr917Ile (NM_001281493.2, NM_001281494.2); short protein forms T1219I, T1089I, T917I.
Identifiers: ClinVar variation 89442 (VCV000089442.19), dbSNP rs63750949, ClinGen allele CA013759.